The following is an entry in ClinVar:

NM_001379110.1(SLC9A6):c.1246_1249del (p.Leu416fs)

Gene: SLC9A6 (solute carrier family 9 member A6; plus strand). Cytogenetic location: Xq26.3.
Variant type: Microsatellite.
Coding change: c.1246_1249del on transcript NM_001379110.1 (MANE Select); coding-DNA positions 1246 to 1249, 4 bases deleted (CTTA; older notation c.1246_1249delCTTA).
Protein change: p.Leu416fs; shifts the reading frame from leucine 416.
Molecular consequence: frameshift variant.
Genome position (GRCh38, 1-based): chrX:136,022,637-136,022,640, CTTA deleted; deleting any 4 consecutive bases within chrX:136,022,633-136,022,640 gives the same sequence; the c. name uses the placement nearest the transcript's 3' end. VCF-style (leftmost placement, unchanged base first): chrX-136022632-TCTTA-T. GRCh37 (hg19) VCF-style: chrX-135104791-TCTTA-T.
Other names: c.1402_1405del, p.Leu468fs (NM_001042537.2); c.1246_1249del, p.Leu416fs (NM_001177651.2); c.1150_1153del, p.Leu384fs (NM_001330652.2); c.1306_1309del, p.Leu436fs (NM_006359.3); short protein forms L416fs, L436fs, L468fs, L384fs.
Identifiers: ClinVar variation 949999 (VCV000949999.8), dbSNP rs2071147098, ClinGen allele CA2460197481.

ClinVar aggregate classification (germline): Pathogenic (1 of 4 stars; one submission).

Conditions:
Christianson syndrome (MRXSCH). Also called: INTELLECTUAL DEVELOPMENTAL DISORDER, X-LINKED, SYNDROMIC, CHRISTIANSON TYPE; X-linked mental retardation, syndromic, Christianson type; SLC9A6-Related Syndromic Mental Retardation. Identifiers: Orphanet 85278, MedGen C2678194, MONDO:0010278, OMIM 300243.

Submission:

Labcorp Genetics (formerly Invitae), Labcorp
Classification: Pathogenic for Christianson syndrome. Last evaluated: 2020-02-22. Review status: criteria provided, single submitter. Criteria: Invitae Variant Classification Sherloc (09022015). Collection method: clinical testing. Allele origin: germline.
Comment: This sequence change creates a premature translational stop signal (p.Leu436Ilefs*15) in the SLC9A6 gene. It is expected to result in an absent or disrupted protein product. This variant is not present in population databases (ExAC no frequency). This variant has not been reported in the literature in individuals with SLC9A6-related conditions. Loss-of-function variants in SLC9A6 are known to be pathogenic (PMID: 18342287). For these reasons, this variant has been classified as Pathogenic.

Literature cited by the submitters: PubMed 18342287.